The following is an entry in ClinVar:

NM_003331.5(TYK2):c.3475C>A (p.Arg1159Ser)

Gene: TYK2 (tyrosine kinase 2; minus strand). Cytogenetic location: 19p13.2.
Variant type: single nucleotide variant.
Coding change: c.3475C>A on transcript NM_003331.5 (MANE Select); coding-DNA position 3475, C replaced by A.
Protein change: p.Arg1159Ser; replaces arginine 1159 with serine.
Molecular consequence: missense variant.
Genome position (GRCh38, 1-based): chr19:10,350,923, G>T on the plus strand (C>A on the coding strand, the complement: TYK2 is on the minus strand). VCF-style: chr19-10350923-G-T. GRCh37 (hg19) VCF-style: chr19-10461599-G-T.
Other names: c.3475C>A (LRG_121t1); short protein forms R1159S.
Identifiers: ClinVar variation 577757 (VCV000577757.9), dbSNP rs753470142, ClinGen allele CA403980007.

ClinVar aggregate classification (germline): Uncertain significance (1 of 4 stars; one submission).

Conditions:
Immunodeficiency 35 (IMD35). Also called: Susceptibility to infection due to TYK2 deficiency; TYK2 DEFICIENCY; HIES WITH ATYPICAL MYCOBACTERIOSIS, AUTOSOMAL RECESSIVE; HYPER-IgE SYNDROME WITH ATYPICAL MYCOBACTERIOSIS, AUTOSOMAL RECESSIVE. Identifiers: Orphanet 331226, MedGen C1969086, MONDO:0012682, OMIM 611521.

Submission:

Labcorp Genetics (formerly Invitae), Labcorp
Classification: Uncertain significance for Immunodeficiency 35. Last evaluated: 2019-10-20. Review status: criteria provided, single submitter. Criteria: Invitae Variant Classification Sherloc (09022015). Collection method: clinical testing. Allele origin: germline.
Comment: This sequence change replaces arginine with serine at codon 1159 of the TYK2 protein (p.Arg1159Ser). The arginine residue is highly conserved and there is a moderate physicochemical difference between arginine and serine. This variant is not present in population databases (ExAC no frequency). In summary, the available evidence is currently insufficient to determine the role of this variant in disease. Therefore, it has been classified as a Variant of Uncertain Significance. Algorithms developed to predict the effect of missense changes on protein structure and function (SIFT, PolyPhen-2, Align-GVGD) all suggest that this variant is likely to be disruptive, but these predictions have not been confirmed by published functional studies and their clinical significance is uncertain. This variant has not been reported in the literature in individuals with TYK2-related disease.